The following is an entry in ClinVar:

NM_001349798.2(FBXW7):c.1877C>T (p.Ala626Val)

Gene: FBXW7 (F-box and WD repeat domain containing 7; minus strand). Cytogenetic location: 4q31.3.
Variant type: single nucleotide variant.
Coding change: c.1877C>T on transcript NM_001349798.2 (MANE Select); coding-DNA position 1877, C replaced by T.
Protein change: p.Ala626Val; replaces alanine 626 with valine.
Molecular consequence: missense variant.
Genome position (GRCh38, 1-based): chr4:152,323,128, G>A on the plus strand (C>T on the coding strand, the complement: FBXW7 is on the minus strand). VCF-style: chr4-152323128-G-A. GRCh37 (hg19) VCF-style: chr4-153244280-G-A.
Other names: c.1523C>T, p.Ala508Val (NM_001013415.2); c.1637C>T, p.Ala546Val (NM_018315.5); c.1877C>T, p.Ala626Val (NM_033632.3); short protein forms A508V, A546V, A626V.
Identifiers: ClinVar variation 1698991 (VCV001698991.3), dbSNP rs2126466009, ClinGen allele CA358617291.
Genomic context (GRCh38, chr4:152,323,128, plus strand): 5'-ACAGTTCCATCATCTGAGCTGGTAATTACAAAGTTCTTGTTGAACTGTAAACAGGTCACA[G>A]CACTCTGATGCTTGTTGGGACCTAGACAAAAACCAAAAGAATTTAATTACTGGTTAGAAA-3'
Protein context (NP_001336727.1, residues 616-636): TLQGPNKHQS[Ala626Val]VTCLQFNKNF

ClinVar aggregate classification (germline): Likely pathogenic (1 of 4 stars; one submission).

Conditions:
Neurodevelopmental disorder. Identifiers: MedGen C1535926, MeSH D065886, MONDO:0700092.

Submission:

Victorian Clinical Genetics Services, Murdoch Childrens Research Institute
Classification: Likely pathogenic for Neurodevelopmental disorder. Last evaluated: 2022-02-02. Review status: criteria provided, single submitter. Criteria: ACMG Guidelines, 2015. Collection method: clinical testing. Allele origin: germline. Inheritance: Autosomal dominant inheritance. Affected: yes.
Comment: Based on the classification scheme VCGS_Germline_v1.3.4, this variant is classified as Likely Pathogenic. Following criteria are met: 0102 - Loss of function is a known mechanism of disease in this gene and is associated with FBXW7-related neurodevelopmental syndrome (personal communication, PMID: 33057194). (I) 0107 - This gene is associated with autosomal dominant disease. (I) 0115 - Variants in this gene are known to have variable expressivity. Variants that segregated within families displayed intrafamilial variability (personal communication). (I) 0200 - Variant is predicted to result in a missense amino acid change from alanine to valine. (I) 0251 - This variant is heterozygous. (I) 0301 - Variant is absent from gnomAD (both v2 and v3). (SP) 0502 - Missense variant with conflicting in silico predictions and uninformative conservation. (I) 0601 - Variant is located in the well-established functional WD40-repeat domain. Pathogenic missense variants cluster within these repeats, and have been functionally proven to result in reduced function (UniProt, personal communication). (SP) 0705 - No comparable missense variants have previous evidence for pathogenicity. (I) 0807 - This variant has no previous evidence of pathogenicity. (I) 0905 - No published segregation evidence has been identified for this variant. (I) 1007 - No published functional evidence has been identified for this variant. (SP) Legend: (SP) - Supporting pathogenic, (I) - Information, (SB) - Supporting benign

Literature cited by the submitters: PubMed 33057194.